The following is an entry in ClinVar:

NM_001845.6(COL4A1):c.4324G>C (p.Val1442Leu)

Gene: COL4A1 (collagen type IV alpha 1 chain; minus strand). Cytogenetic location: 13q34.
Variant type: single nucleotide variant.
Coding change: c.4324G>C on transcript NM_001845.6 (MANE Select); coding-DNA position 4324, G replaced by C.
Protein change: p.Val1442Leu; replaces valine 1442 with leucine.
Molecular consequence: missense variant.
Genome position (GRCh38, 1-based): chr13:110,162,368, C>G on the plus strand (G>C on the coding strand, the complement: COL4A1 is on the minus strand). VCF-style: chr13-110162368-C-G. GRCh37 (hg19) VCF-style: chr13-110814715-C-G.
Other names: short protein forms V1442L.
Identifiers: ClinVar variation 4746026 (VCV004746026.1).

ClinVar aggregate classification (germline): Uncertain significance (1 of 4 stars; one submission).

Submission:

Labcorp Genetics (formerly Invitae), Labcorp
Classification: Uncertain significance. Last evaluated: 2025-09-23. Review status: criteria provided, single submitter. Criteria: Invitae Variant Classification Sherloc (09022015). Collection method: clinical testing. Allele origin: germline.
Comment: This sequence change replaces valine, which is neutral and non-polar, with leucine, which is neutral and non-polar, at codon 1442 of the COL4A1 protein (p.Val1442Leu). This variant is not present in population databases (gnomAD no frequency). This variant has not been reported in the literature in individuals affected with COL4A1-related conditions. Invitae Evidence Modeling of protein sequence and biophysical properties (such as structural, functional, and spatial information, amino acid conservation, physicochemical variation, residue mobility, and thermodynamic stability) indicates that this missense variant is not expected to disrupt COL4A1 protein function with a negative predictive value of 95%. In summary, the available evidence is currently insufficient to determine the role of this variant in disease. Therefore, it has been classified as a Variant of Uncertain Significance.